The following is an entry in ClinVar:

ClinVar aggregate classification (germline): Uncertain significance (1 of 4 stars; one submission).

Conditions:
Hereditary pancreatitis (PCTT). Also called: Hereditary chronic pancreatitis; PRSS1-Related Hereditary Pancreatitis. Identifiers: Orphanet 676, MedGen C0238339, MONDO:0008185, OMIM 167800.

Submission:

Ambry Genetics
Classification: Uncertain significance for Hereditary pancreatitis. Last evaluated: 2024-08-21. Review status: criteria provided, single submitter. Criteria: Ambry Variant Classification Scheme 2023. Collection method: clinical testing. Allele origin: germline.
Comment: The p.S114F variant (also known as c.341C>T), located in coding exon 3 of the PRSS1 gene, results from a C to T substitution at nucleotide position 341. The serine at codon 114 is replaced by phenylalanine, an amino acid with highly dissimilar properties. This amino acid position is conserved. In addition, the in silico prediction for this alteration is inconclusive. Based on the available evidence, the clinical significance of this variant remains unclear.

NM_002769.5(PRSS1):c.341C>T (p.Ser114Phe)

Genes: PRSS1 (serine protease 1; plus strand), TRB (T cell receptor beta locus; plus strand). Cytogenetic location: 7q34.
Variant type: single nucleotide variant.
Coding change: c.341C>T on transcript NM_002769.5 (MANE Select); coding-DNA position 341, C replaced by T.
Protein change: p.Ser114Phe; replaces serine 114 with phenylalanine.
Molecular consequence: missense variant. On other transcripts: non-coding transcript variant (4).
Genome position (GRCh38, 1-based): chr7:142,751,914, C>T. VCF-style: chr7-142751914-C-T. GRCh37 (hg19) VCF-style: chr7-142459765-C-T.
Other names: short protein forms S114F.
Identifiers: ClinVar variation 3426319 (VCV003426319.1).